The following is an entry in ClinVar:

ClinVar aggregate classification (germline): Uncertain significance (1 of 4 stars; one submission).

gnomAD v4.1: 1 of 1,614,026 alleles (0.000062%); highest among the groups gnomAD compares: Non-Finnish European, 0.000085%; no homozygotes.

Submission:

Labcorp Genetics (formerly Invitae), Labcorp
Classification: Uncertain significance. Last evaluated: 2026-01-13. Review status: criteria provided, single submitter. Criteria: Invitae Variant Classification Sherloc (09022015). Collection method: clinical testing. Allele origin: germline.
Comment: This sequence change replaces glycine, which is neutral and non-polar, with arginine, which is basic and polar, at codon 172 of the SEC61A1 protein (p.Gly172Arg). This variant is not present in population databases (gnomAD no frequency). This variant has not been reported in the literature in individuals affected with SEC61A1-related conditions. Invitae Evidence Modeling of protein sequence and biophysical properties (such as structural, functional, and spatial information, amino acid conservation, physicochemical variation, residue mobility, and thermodynamic stability) indicates that this missense variant is expected to disrupt SEC61A1 protein function with a positive predictive value of 80%. In summary, the available evidence is currently insufficient to determine the role of this variant in disease. Therefore, it has been classified as a Variant of Uncertain Significance.

NM_013336.4(SEC61A1):c.514G>C (p.Gly172Arg)

Gene: SEC61A1 (SEC61 translocon subunit alpha 1; plus strand). Cytogenetic location: 3q21.3.
Variant type: single nucleotide variant.
Coding change: c.514G>C on transcript NM_013336.4 (MANE Select); coding-DNA position 514, G replaced by C.
Protein change: p.Gly172Arg; replaces glycine 172 with arginine.
Molecular consequence: missense variant.
Genome position (GRCh38, 1-based): chr3:128,060,559, G>C. VCF-style: chr3-128060559-G-C. GRCh37 (hg19) VCF-style: chr3-127779402-G-C.
Other names: c.532G>C, p.Gly178Arg (NM_001400328.1); c.355G>C, p.Gly119Arg (NM_001400329.1); short protein forms G172R, G119R, G178R.
Identifiers: ClinVar variation 4742415 (VCV004742415.1).